The following is an entry in ClinVar:

ClinVar aggregate classification (germline): Uncertain significance. Review status: criteria provided, multiple submitters, no conflicts (2 of 4 stars). 3 submissions from 3 submitters: Uncertain significance (3). Last evaluated 2024-02-07.

Conditions:
Inborn genetic diseases. Identifiers: MedGen C0950123, MeSH D030342.

Allele frequency attached by ClinVar (database versions not stated): gnomAD 0.00002; gnomAD exomes 0.00002; TOPMed 0.00004.
gnomAD v4.1: 138 of 1,536,844 alleles (0.009%); highest among the groups gnomAD compares: Non-Finnish European, 0.011%; no homozygotes.

Submissions (3):

Labcorp Genetics (formerly Invitae), Labcorp
Classification: Uncertain significance. Last evaluated: 2024-02-07. Review status: criteria provided, single submitter. Criteria: Invitae Variant Classification Sherloc (09022015). Collection method: clinical testing. Allele origin: germline.
Comment: This sequence change replaces glycine, which is neutral and non-polar, with arginine, which is basic and polar, at codon 782 of the COL4A2 protein (p.Gly782Arg). The frequency data for this variant in the population databases is considered unreliable, as metrics indicate poor data quality at this position in the gnomAD database. This variant has not been reported in the literature in individuals affected with COL4A2-related conditions. ClinVar contains an entry for this variant (Variation ID: 1217269). Advanced modeling of protein sequence and biophysical properties (such as structural, functional, and spatial information, amino acid conservation, physicochemical variation, residue mobility, and thermodynamic stability) performed at Invitae indicates that this missense variant is not expected to disrupt COL4A2 protein function with a negative predictive value of 80%. In summary, the available evidence is currently insufficient to determine the role of this variant in disease. Therefore, it has been classified as a Variant of Uncertain Significance.

Women's Health and Genetics/Laboratory Corporation of America, LabCorp
Classification: Uncertain significance. Last evaluated: 2021-08-23. Review status: criteria provided, single submitter. Criteria: LabCorp Variant Classification Summary - May 2015. Collection method: clinical testing. Allele origin: germline.
Comment: Variant summary: COL4A2 c.2344G>A (p.Gly782Arg) results in a non-conservative amino acid change located in a collagen triple helix repeat (IPR008160) of the encoded protein sequence. Five of five in-silico tools predict a damaging effect of the variant on protein function. The variant allele was found at a frequency of 2.2e-05 in 181042 control chromosomes. The available data on variant occurrences in the general population are insufficient to allow any conclusion about variant significance. To our knowledge, no occurrence of c.2344G>A in individuals affected with Porencephaly 2 and no experimental evidence demonstrating its impact on protein function have been reported. No clinical diagnostic laboratories have submitted clinical-significance assessments for this variant to ClinVar after 2014. Based on the evidence outlined above, the variant was classified as uncertain significance.

Ambry Genetics
Classification: Uncertain significance for Inborn genetic diseases. Last evaluated: 2021-07-06. Review status: criteria provided, single submitter. Criteria: Ambry Variant Classification Scheme 2023. Collection method: clinical testing. Allele origin: germline.

NM_001846.4(COL4A2):c.2344G>A (p.Gly782Arg)

Gene: COL4A2 (collagen type IV alpha 2 chain; plus strand). Cytogenetic location: 13q34.
Variant type: single nucleotide variant.
Coding change: c.2344G>A on transcript NM_001846.4 (MANE Select); coding-DNA position 2344, G replaced by A.
Protein change: p.Gly782Arg; replaces glycine 782 with arginine.
Molecular consequence: missense variant.
Genome position (GRCh38, 1-based): chr13:110,473,069, G>A. VCF-style: chr13-110473069-G-A. GRCh37 (hg19) VCF-style: chr13-111125416-G-A.
Other names: c.2344G>A (NM_001846.2); short protein forms G782R.
Identifiers: ClinVar variation 1217269 (VCV001217269.7), dbSNP rs768662646, ClinGen allele CA7049895.